The following is an entry in ClinVar:

ClinVar aggregate classification (germline): Uncertain significance. Review status: criteria provided, multiple submitters, no conflicts (2 of 4 stars). 9 submissions from 9 submitters: Uncertain significance (8). 1 of the submissions does not count toward it. Last evaluated 2026-07-21.

Conditions:
Renal tubular acidosis with progressive nerve deafness. Also called: Distal Renal Tubular Acidosis with Progressive Sensorineural Deafness; renal tubular acidosis, distal, 2, with progressive sensorineural hearing loss; RENAL TUBULAR ACIDOSIS, AUTOSOMAL RECESSIVE, WITH PROGRESSIVE NERVE DEAFNESS; RTA WITH PROGRESSIVE NERVE DEAFNESS. Identifiers: MedGen C0403554, MONDO:0009968, OMIM 267300.
Inborn genetic diseases. Identifiers: MedGen C0950123, MeSH D030342.
ATP6V1B1-related disorder. Also called: ATP6V1B1-related condition.

Allele frequency attached by ClinVar (database versions not stated): ExAC 0.00019; gnomAD 0.00020 and 0.00024; TOPMed 0.00020; ESP Exome Variant Server 0.00023.

Submissions (9):

PreventionGenetics, part of Exact Sciences
Classification: Uncertain significance for ATP6V1B1-related condition. Last evaluated: 2026-07-21. Review status: criteria provided, single submitter. Criteria: ACMG Guidelines, 2015. Collection method: clinical testing. Allele origin: germline.
Comment: The ATP6V1B1 c.112C>T variant is predicted to result in the amino acid substitution p.Arg38Cys. To our knowledge, this variant has not been reported in the literature. This variant is reported in 0.029% of alleles in individuals of European (Non-Finnish) descent in gnomAD. At this time, the clinical significance of this variant is uncertain due to the absence of conclusive functional and genetic evidence.

Ambry Genetics
Classification: Uncertain significance for Inborn genetic diseases. Last evaluated: 2025-06-10. Review status: criteria provided, single submitter. Criteria: Ambry Variant Classification Scheme 2023. Collection method: clinical testing. Allele origin: germline.

Blueprint Genetics
Classification: Uncertain significance. Last evaluated: 2024-09-20. Review status: criteria provided, single submitter. Criteria: ACMG Guidelines, 2015. Collection method: clinical testing. Allele origin: germline.

Fulgent Genetics
Classification: Uncertain significance for Renal tubular acidosis with progressive nerve deafness. Last evaluated: 2024-04-24. Review status: criteria provided, single submitter. Criteria: ACMG Guidelines, 2015. Collection method: clinical testing. Allele origin: germline.

GeneDx
Classification: Uncertain significance. Last evaluated: 2023-11-22. Review status: criteria provided, single submitter. Criteria: GeneDx Variant Classification Process June 2021. Collection method: clinical testing. Allele origin: germline. Affected: yes.
Comment: In silico analysis supports that this missense variant has a deleterious effect on protein structure/function; Has not been previously published as pathogenic or benign to our knowledge

Labcorp Genetics (formerly Invitae), Labcorp
Classification: Uncertain significance. Last evaluated: 2022-05-30. Review status: criteria provided, single submitter. Criteria: Invitae Variant Classification Sherloc (09022015). Collection method: clinical testing. Allele origin: germline.
Comment: This sequence change replaces arginine, which is basic and polar, with cysteine, which is neutral and slightly polar, at codon 38 of the ATP6V1B1 protein (p.Arg38Cys). This variant is present in population databases (rs145773738, gnomAD 0.03%). This variant has not been reported in the literature in individuals affected with ATP6V1B1-related conditions. ClinVar contains an entry for this variant (Variation ID: 895245). Algorithms developed to predict the effect of missense changes on protein structure and function are either unavailable or do not agree on the potential impact of this missense change (SIFT: "Deleterious"; PolyPhen-2: "Benign"; Align-GVGD: "Class C0"). In summary, the available evidence is currently insufficient to determine the role of this variant in disease. Therefore, it has been classified as a Variant of Uncertain Significance.

Illumina Laboratory Services, Illumina
Classification: Uncertain significance for Renal tubular acidosis with progressive nerve deafness. Last evaluated: 2018-01-13. Review status: criteria provided, single submitter. Criteria: ICSL Variant Classification Criteria 13 December 2019. Collection method: clinical testing. Allele origin: germline.

Breakthrough Genomics
Classification: Uncertain significance. Review status: criteria provided, single submitter. Criteria: ACMG Guidelines, 2015. Collection method: not provided. Allele origin: germline. Inheritance: Autosomal recessive inheritance. Affected: yes.

Natera, Inc.
Classification: Uncertain significance for Renal tubular acidosis with progressive nerve deafness. Last evaluated: 2020-04-24. Review status: no assertion criteria provided. Collection method: clinical testing. Allele origin: germline. Not counted in ClinVar's aggregate classification.

NM_001692.4(ATP6V1B1):c.112C>T (p.Arg38Cys)

Gene: ATP6V1B1 (ATPase H+ transporting V1 subunit B1; plus strand). Cytogenetic location: 2p13.3.
Variant type: single nucleotide variant.
Coding change: c.112C>T on transcript NM_001692.4 (MANE Select); coding-DNA position 112, C replaced by T.
Protein change: p.Arg38Cys; replaces arginine 38 with cysteine.
Molecular consequence: missense variant.
Genome position (GRCh38, 1-based): chr2:70,936,066, C>T. VCF-style: chr2-70936066-C-T. GRCh37 (hg19) VCF-style: chr2-71163196-C-T.
Other names: short protein forms R38C.
Identifiers: ClinVar variation 895245 (VCV000895245.21), dbSNP rs145773738, ClinGen allele CA1700836.
Genomic context (GRCh38, chr2:70,936,066, plus strand): 5'-AACCTAGGTGCAGCCCGAGAACACATGCAGGCGGTCACCCGAAACTACATCACCCACCCC[C>T]GTGTCAGTGAGTAGCCCCTCCACCGTGACGGGTGAGGTCAGGGTGGGGAGCTGGGGTGGG-3'
Protein context (NP_001683.2, residues 28-48): AVTRNYITHP[Arg38Cys]VTYRTVCSVN